The following is an entry in ClinVar:

NC_000023.11:g.38273484T>C

Gene: RPGR (retinitis pigmentosa GTPase regulator; minus strand). Cytogenetic location: Xp11.4.
Variant type: single nucleotide variant.
Molecular consequence: intron variant (on NM_001367249.1).
Genome position: GRCh38 VCF-style: chrX-38273484-T-C. GRCh37 (hg19) VCF-style: chrX-38132737-T-C.
Other names: c.1814-7A>G (NM_001367249.1, NM_001367250.1); c.2147-7A>G (NM_001367245.1); c.1631-7A>G (NM_001367251.1); c.1964-7A>G (NM_001367246.1); c.1817-7A>G (NM_001367247.1); c.2150-7A>G (NM_000328.3); c.1847-7A>G (NM_001367248.1).
Identifiers: ClinVar variation 2073323 (VCV002073323.4), dbSNP rs375144983, ClinGen allele CA10385082.

ClinVar aggregate classification (germline): Conflicting classifications of pathogenicity. Review status: criteria provided, conflicting classifications (1 of 4 stars). 2 submissions from 2 submitters: Uncertain significance (1); Likely benign (1). Last evaluated 2024-06-04.

Conditions:
Primary ciliary dyskinesia. Also called: Ciliary dyskinesia. Identifiers: Orphanet 244, MedGen C0008780, MONDO:0016575, HP:0012265.

Allele frequency attached by ClinVar (database versions not stated): gnomAD exomes 0.00001; gnomAD 0.00005; TOPMed 0.00009; ExAC 0.00003; ESP Exome Variant Server 0.00009.
gnomAD v4.1: 14 of 1,170,949 alleles (0.0012%); highest among the groups gnomAD compares: African/African-American, 0.014%; no homozygotes.

Submissions (2):

Labcorp Genetics (formerly Invitae), Labcorp
Classification: Uncertain significance for Primary ciliary dyskinesia. Last evaluated: 2024-06-04. Review status: criteria provided, single submitter. Criteria: Invitae Variant Classification Sherloc (09022015). Collection method: clinical testing. Allele origin: germline.
Comment: This sequence change falls in intron 17 of the RPGR gene. It does not directly change the encoded amino acid sequence of the RPGR protein. This variant is present in population databases (rs375144983, gnomAD 0.01%). This variant has not been reported in the literature in individuals affected with RPGR-related conditions. ClinVar contains an entry for this variant (Variation ID: 2073323). Algorithms developed to predict the effect of sequence changes on RNA splicing suggest that this variant may disrupt the consensus splice site. In summary, the available evidence is currently insufficient to determine the role of this variant in disease. Therefore, it has been classified as a Variant of Uncertain Significance.

Blueprint Genetics
Classification: Likely benign. Last evaluated: 2022-06-13. Review status: criteria provided, single submitter. Criteria: ACMG Guidelines, 2015. Collection method: clinical testing. Allele origin: germline.